The following is an entry in ClinVar:

ClinVar aggregate classification (germline): Likely benign. Review status: criteria provided, single submitter (1 of 4 stars). 2 submissions from 2 submitters: Likely benign (1). 1 of the submissions does not count toward it. Last evaluated 2022-04-22.

Conditions:
PALLD-related disorder. Also called: PALLD-related condition.

Allele frequency attached by ClinVar (database versions not stated): gnomAD 0.00001; TOPMed 0.00001; ExAC 0.00002.
gnomAD v4.1: 14 of 1,614,080 alleles (0.00087%); highest among the groups gnomAD compares: Non-Finnish European, 0.0011%; no homozygotes.

Submissions (2):

Ambry Genetics
Classification: Likely benign. Last evaluated: 2022-04-22. Review status: criteria provided, single submitter. Criteria: Ambry Variant Classification Scheme 2023. Collection method: clinical testing. Allele origin: germline.

PreventionGenetics, part of Exact Sciences
Classification: Likely benign for PALLD-related condition. Last evaluated: 2019-11-13. Review status: no assertion criteria provided. Collection method: clinical testing. Allele origin: germline. Not counted in ClinVar's aggregate classification.
Comment: This variant is classified as likely benign based on ACMG/AMP sequence variant interpretation guidelines (Richards et al. 2015 PMID: 25741868, with internal and published modifications).

NM_001166108.2(PALLD):c.822C>A (p.Ile274=)

Gene: PALLD (palladin, cytoskeletal associated protein; plus strand). Cytogenetic location: 4q32.3.
Variant type: single nucleotide variant.
Coding change: c.822C>A on transcript NM_001166108.2 (MANE Select); coding-DNA position 822, C replaced by A.
Protein change: p.Ile274=; no amino-acid change (isoleucine 274 retained).
Molecular consequence: synonymous variant.
Genome position (GRCh38, 1-based): chr4:168,512,326, C>A. VCF-style: chr4-168512326-C-A. GRCh37 (hg19) VCF-style: chr4-169433477-C-A.
Other names: c.822C>A, p.Ile274= (NM_016081.4).
Identifiers: ClinVar variation 1762536 (VCV001762536.4), dbSNP rs776450294, ClinGen allele CA3135438.